The following is an entry in ClinVar:

ClinVar aggregate classification (germline): Pathogenic/Likely pathogenic. Review status: criteria provided, multiple submitters, no conflicts (2 of 4 stars). 2 submissions from 2 submitters: Pathogenic (1); Likely pathogenic (1). Last evaluated 2023-09-18.

Conditions:
Primary ciliary dyskinesia. Also called: Ciliary dyskinesia. Identifiers: Orphanet 244, MedGen C0008780, MONDO:0016575, HP:0012265.
Primary ciliary dyskinesia 18. Also called: CILIARY DYSKINESIA, PRIMARY, 18, WITH OR WITHOUT SITUS INVERSUS. Identifiers: Orphanet 244, MedGen C3543825, MONDO:0013940, OMIM 614874.

Allele frequency attached by ClinVar (database versions not stated): gnomAD exomes below 0.00001.

Submissions (2):

Department of Pathology and Laboratory Medicine, Sinai Health System
Classification: Likely pathogenic for Primary ciliary dyskinesia 18. Last evaluated: 2023-09-18. Review status: criteria provided, single submitter. Criteria: ACMG Guidelines, 2015. Collection method: research. Allele origin: germline.

Labcorp Genetics (formerly Invitae), Labcorp
Classification: Pathogenic for Primary ciliary dyskinesia. Last evaluated: 2022-01-02. Review status: criteria provided, single submitter. Criteria: Invitae Variant Classification Sherloc (09022015). Collection method: clinical testing. Allele origin: germline.
Comment: This sequence change creates a premature translational stop signal (p.Arg253*) in the DNAAF5 gene. It is expected to result in an absent or disrupted protein product. Loss-of-function variants in DNAAF5 are known to be pathogenic (PMID: 24307375, 25232951). This variant is not present in population databases (gnomAD no frequency). This variant has not been reported in the literature in individuals affected with DNAAF5-related conditions. For these reasons, this variant has been classified as Pathogenic.

Literature cited by the submitters: PubMed 24307375 (cited by Labcorp Genetics (formerly Invitae), Labcorp); PubMed 25232951 (cited by Labcorp Genetics (formerly Invitae), Labcorp).

NM_017802.4(DNAAF5):c.757C>T (p.Arg253Ter)

Gene: DNAAF5 (dynein axonemal assembly factor 5; plus strand). Cytogenetic location: 7p22.3.
Variant type: single nucleotide variant.
Coding change: c.757C>T on transcript NM_017802.4 (MANE Select); coding-DNA position 757, C replaced by T.
Protein change: p.Arg253Ter; replaces arginine 253 with a stop codon.
Molecular consequence: nonsense. On other transcripts: non-coding transcript variant (1).
Genome position (GRCh38, 1-based): chr7:729,824, C>T. VCF-style: chr7-729824-C-T. GRCh37 (hg19) VCF-style: chr7-769461-C-T.
Other names: short protein forms R253*.
Identifiers: ClinVar variation 1914650 (VCV001914650.6), dbSNP rs1781507295, ClinGen allele CA366532159.